The following is an entry in ClinVar:

ClinVar aggregate classification (germline): Pathogenic. Review status: criteria provided, multiple submitters, no conflicts (2 of 4 stars). 2 submissions from 2 submitters: Pathogenic (2). Last evaluated 2024-09-23.

Conditions:
Glycogen storage disease IXd (GSD9D). Also called: Muscle Phosphorylase Kinase Deficiency; GSD IXd. Identifiers: Orphanet 715, MedGen C1845151, MONDO:0010362, OMIM 300559.

Submissions (2):

GeneDx
Classification: Pathogenic. Last evaluated: 2024-09-23. Review status: criteria provided, single submitter. Criteria: GeneDx Variant Classification Process June 2021. Collection method: clinical testing. Allele origin: germline. Affected: yes.
Comment: Frameshift variant predicted to result in protein truncation or nonsense mediated decay in a gene for which loss of function is a known mechanism of disease; Not observed at significant frequency in large population cohorts (gnomAD); Has not been previously published as pathogenic or benign to our knowledge

Baylor Genetics
Classification: Pathogenic for Glycogen storage disease IXd. Last evaluated: 2018-11-14. Review status: criteria provided, single submitter. Criteria: ACMG Guidelines, 2015. Collection method: clinical testing. Allele origin: maternal. Affected: yes.
Comment: This variant was determined to be pathogenic according to ACMG Guidelines, 2015 [PMID:25741868].

NM_002637.4(PHKA1):c.2603_2604del (p.Ser868fs)

Gene: PHKA1 (phosphorylase kinase regulatory subunit alpha 1; minus strand). Cytogenetic location: Xq13.1.
Variant type: Microsatellite.
Coding change: c.2603_2604del on transcript NM_002637.4 (MANE Select); coding-DNA positions 2603 to 2604, 2 bases deleted (CT; older notation c.2603_2604delCT).
Protein change: p.Ser868fs; shifts the reading frame from serine 868.
Molecular consequence: frameshift variant.
Genome position (GRCh38, 1-based): chrX:72,609,626-72,609,627, AG deleted on the plus strand (CT on the coding strand, the reverse complement: PHKA1 is on the minus strand); deleting any 2 consecutive bases within chrX:72,609,626-72,609,630 gives the same sequence; the c. name uses the placement nearest the transcript's 3' end. VCF-style (leftmost placement, unchanged base first): chrX-72609625-CAG-C. GRCh37 (hg19) VCF-style: chrX-71829475-CAG-C.
Other names: c.2603_2604delCT (NM_002637.3); c.2603_2604del, p.Ser868fs (NM_001122670.2); c.2426_2427del, p.Ser809fs (NM_001172436.2); c.2603_2604del (NM_002637.3); short protein forms S809fs, S868fs.
Identifiers: ClinVar variation 1033522 (VCV001033522.2), dbSNP rs2052776972, ClinGen allele CA2436826523.